The following is an entry in ClinVar:

ClinVar aggregate classification (germline): Uncertain significance (1 of 4 stars; one submission).

Conditions:
Perlman syndrome (PRLMNS). Identifiers: Orphanet 2849, MedGen C0796113, MONDO:0009965, OMIM 267000.

Allele frequency attached by ClinVar (database versions not stated): gnomAD exomes below 0.00001.
gnomAD v4.1: 1 of 1,614,082 alleles (0.000062%); no homozygotes.

Submission:

Labcorp Genetics (formerly Invitae), Labcorp
Classification: Uncertain significance for Perlman syndrome. Last evaluated: 2021-11-19. Review status: criteria provided, single submitter. Criteria: Invitae Variant Classification Sherloc (09022015). Collection method: clinical testing. Allele origin: germline.
Comment: This sequence change replaces leucine, which is neutral and non-polar, with proline, which is neutral and non-polar, at codon 267 of the DIS3L2 protein (p.Leu267Pro). This variant is present in population databases (no rsID available, gnomAD 0.01%). This variant has not been reported in the literature in individuals affected with DIS3L2-related conditions. Algorithms developed to predict the effect of missense changes on protein structure and function are either unavailable or do not agree on the potential impact of this missense change (SIFT: "Deleterious"; PolyPhen-2: "Probably Damaging"; Align-GVGD: "Class C0"). In summary, the available evidence is currently insufficient to determine the role of this variant in disease. Therefore, it has been classified as a Variant of Uncertain Significance.

NM_152383.5(DIS3L2):c.800T>C (p.Leu267Pro)

Gene: DIS3L2 (DIS3 like 3'-5' exoribonuclease 2; plus strand). Cytogenetic location: 2q37.1.
Variant type: single nucleotide variant.
Coding change: c.800T>C on transcript NM_152383.5 (MANE Select); coding-DNA position 800, T replaced by C.
Protein change: p.Leu267Pro; replaces leucine 267 with proline.
Molecular consequence: missense variant. On other transcripts: non-coding transcript variant (1).
Genome position (GRCh38, 1-based): chr2:232,136,569, T>C. VCF-style: chr2-232136569-T-C. GRCh37 (hg19) VCF-style: chr2-233001279-T-C.
Other names: c.800T>C, p.Leu267Pro (NM_001257281.2); short protein forms L267P.
Identifiers: ClinVar variation 1394206 (VCV001394206.6), dbSNP rs1203169496, ClinGen allele CA351153618.
Genomic context (GRCh38, chr2:232,136,569, plus strand): 5'-CAACCGGCTTCCTCAAACTCTTGGCTGATAAGAACAGCGAACTGTTTAGGAAATACGCCC[T>C]GTTTTCTCCCTCAGACCACCGAGTGCCTAGAATTTATGTGCCTCTCAAGGACTGTCCCCA-3'
Protein context (NP_689596.4, residues 257-277): KNSELFRKYA[Leu267Pro]FSPSDHRVPR